The following is an entry in ClinVar:

NM_006005.3(WFS1):c.1839G>A (p.Trp613Ter)

Gene: WFS1 (wolframin ER transmembrane glycoprotein; plus strand). Cytogenetic location: 4p16.1.
Variant type: single nucleotide variant.
Coding change: c.1839G>A on transcript NM_006005.3 (MANE Select); coding-DNA position 1839, G replaced by A.
Protein change: p.Trp613Ter; replaces tryptophan 613 with a stop codon.
Molecular consequence: nonsense.
Genome position (GRCh38, 1-based): chr4:6,301,634, G>A. VCF-style: chr4-6301634-G-A. GRCh37 (hg19) VCF-style: chr4-6303361-G-A.
Other names: c.1839G>A, p.Trp613Ter (NM_001145853.1); short protein forms W613*.
Identifiers: ClinVar variation 349320 (VCV000349320.15), dbSNP rs143064649, ClinGen allele CA2839516.

ClinVar aggregate classification (germline): Pathogenic. Review status: criteria provided, multiple submitters, no conflicts (2 of 4 stars). 6 submissions from 6 submitters: Pathogenic (5). 1 of the submissions does not count toward it. Last evaluated 2023-09-26.

Conditions:
Diabetes mellitus. Also called: Diabetes mellitus (disease). Identifiers: MedGen C0011849, MONDO:0005015, HP:0000819.
WFS1-related disorder. Identifiers: MedGen CN379391, MONDO:0700293.
WFS1-Related Spectrum Disorders.
Wolfram syndrome 1 (WFS1). Identifiers: Orphanet 3463, MedGen C4551693, MONDO:0009101, OMIM 222300.
Cataract 41 (CTRCT41). Also called: CATARACT 41, CONGENITAL NUCLEAR TYPE. Identifiers: Orphanet 91492, Orphanet 98991, Orphanet 98992, Orphanet 98995, MedGen C3805412, MONDO:0007287, OMIM 116400.
Autosomal dominant nonsyndromic hearing loss 6 (LFSNHL). Also called: DEAFNESS, AUTOSOMAL DOMINANT 6; DEAFNESS, AUTOSOMAL DOMINANT 14; DEAFNESS, AUTOSOMAL DOMINANT 38; Autosomal dominant nonsyndromic deafness 6. Identifiers: Orphanet 90635, MedGen C1833021, MONDO:0010963, OMIM 600965.
Type 2 diabetes mellitus. Also called: Type II diabetes mellitus. Identifiers: MedGen C0011860, MeSH D003924, MONDO:0005148, OMIM 125853, HP:0005978.
Wolfram-like syndrome. Also called: HEARING LOSS, PROGRESSIVE, WITH OPTIC ATROPHY AND/OR IMPAIRED GLUCOSE REGULATION. Identifiers: Orphanet 411590, MedGen C3280358, MONDO:0013673, OMIM 614296.

Allele frequency attached by ClinVar (database versions not stated): TOPMed below 0.00001; ExAC 0.00001; gnomAD exomes 0.00002; gnomAD 0.00003; ESP Exome Variant Server 0.00008.
gnomAD v4.1: 15 of 1,614,080 alleles (0.00093%); highest among the groups gnomAD compares: Non-Finnish European, 0.0013%; no homozygotes.

Submissions (6):

Blueprint Genetics
Classification: Pathogenic for WFS1-related disorders. Last evaluated: 2023-09-26. Review status: criteria provided, single submitter. Criteria: ACMG Guidelines, 2015. Collection method: clinical testing. Allele origin: germline. Affected: yes. Observed: 1 variant allele.

Labcorp Genetics (formerly Invitae), Labcorp
Classification: Pathogenic. Last evaluated: 2022-10-17. Review status: criteria provided, single submitter. Criteria: Invitae Variant Classification Sherloc (09022015). Collection method: clinical testing. Allele origin: germline.
Comment: This variant is present in population databases (rs143064649, gnomAD 0.003%). This sequence change creates a premature translational stop signal (p.Trp613*) in the WFS1 gene. While this is not anticipated to result in nonsense mediated decay, it is expected to disrupt the last 278 amino acid(s) of the WFS1 protein. For these reasons, this variant has been classified as Pathogenic. ClinVar contains an entry for this variant (Variation ID: 349320). This premature translational stop signal has been observed in individuals with Wolfram syndrome (PMID: 12955714, 23981289, 28559085).

GeneDx
Classification: Pathogenic. Last evaluated: 2022-03-02. Review status: criteria provided, single submitter. Criteria: GeneDx Variant Classification Process June 2021. Collection method: clinical testing. Allele origin: germline. Affected: yes.
Comment: Nonsense variant in the C-terminus predicted to result in protein truncation, as the last 278 amino acids are lost, and other loss-of-function variants have been reported downstream in HGMD; This variant is associated with the following publications: (PMID: 33538814, 28559085, 12955714, 26025012, 24890733, 23981289)

Fulgent Genetics
Classification: Pathogenic for Cataract 41; Type 2 diabetes mellitus; Wolfram syndrome 1; Autosomal dominant nonsyndromic hearing loss 6; Wolfram-like syndrome. Last evaluated: 2022-01-31. Review status: criteria provided, single submitter. Criteria: ACMG Guidelines, 2015. Collection method: clinical testing. Allele origin: unknown.

Illumina Laboratory Services, Illumina
Classification: Pathogenic for WFS1-Related Spectrum Disorders. Last evaluated: 2016-09-20. Review status: criteria provided, single submitter. Criteria: ICSL Variant Classification Criteria 09 May 2019. Collection method: clinical testing. Allele origin: germline.
Comment: The WFS1 c.1839G>A (p.Trp613Ter) stop-gained variant has been reported in four studies in which it is found in a compound heterozygous state with a second variant in four individuals with Wolfram syndrome (Cryns et al. 2003; Marshall et al. 2013; Chaussenot et al. 2015; Bischoff et al. 2015). Of note, five additional affected individuals were compound heterozygous for a different nucleotide change, c.1838G>A, that results in the same stop-gained variant at codon 613 (p.Trp613Ter). The p.Trp613Ter variant was absent from a total of 100 controls and is reported at a frequency of 0.00012 in the European American population of the Exome Sequencing Project, but this is based on only one allele in a region of good sequence coverage so it is presumed to be rare. Based on the potential impact of stop-gained variants and the evidence from the literature, the p.Trp613Ter variant is classified as pathogenic for WFS1-related spectrum disorders. This variant was observed by ICSL as part of a predisposition screen in an ostensibly healthy population.

Constantin Polychronakos Laboratory, The Research Institute of the McGill University Health Centre
Classification: Pathogenic for Diabetes mellitus. Review status: no assertion criteria provided. Collection method: research. Allele origin: paternal. Inheritance: Autosomal recessive inheritance. Affected: yes. Study: T1DGC. Not counted in ClinVar's aggregate classification.
Comment: PVS1 PS1 PM1 PM2 PP3 PP4

Literature cited by the submitters: PubMed 12955714 (cited by Labcorp Genetics (formerly Invitae), Labcorp and Illumina Laboratory Services, Illumina); PubMed 23981289 (cited by Labcorp Genetics (formerly Invitae), Labcorp and Illumina Laboratory Services, Illumina); PubMed 28559085 (cited by Labcorp Genetics (formerly Invitae), Labcorp); PubMed 24890733 (cited by Illumina Laboratory Services, Illumina); PubMed 26025012 (cited by Illumina Laboratory Services, Illumina).